The following is an entry in ClinVar:

NM_000038.6(APC):c.1420del (p.Ala474fs)

Gene: APC (APC regulator of Wnt signaling pathway; plus strand). Cytogenetic location: 5q22.2.
Variant type: Deletion.
Coding change: c.1420del on transcript NM_000038.6 (MANE Select); coding-DNA position 1420, one base deleted (G; older notation c.1420delG).
Protein change: p.Ala474fs; shifts the reading frame from alanine 474.
Molecular consequence: frameshift variant.
Genome position (GRCh38, 1-based): chr5:112,827,119, G deleted; the last of 2 consecutive G bases (chr5:112,827,118-112,827,119); deleting either gives the same sequence. VCF-style (leftmost placement, unchanged base first): chr5-112827117-AG-A. GRCh37 (hg19) VCF-style: chr5-112162814-AG-A.
Other names: c.1420del, p.Ala474fs (NM_001127510.3, NM_001354895.2, NM_001407450.1); c.1366del, p.Ala456fs (NM_001127511.3); c.1474del, p.Ala492fs (NM_001354896.2, NM_001407447.1, NM_001407448.1 and 1 more transcripts); c.1450del, p.Ala484fs (NM_001354897.2); c.1345del, p.Ala449fs (NM_001354898.2); c.1336del, p.Ala446fs (NM_001354899.2); c.1297del, p.Ala433fs (NM_001354900.2); c.1243del, p.Ala415fs (NM_001354901.2, NM_001407453.1); and 11 more; short protein forms A191fs, A314fs, A345fs, A348fs, A373fs, A383fs, A391fs, A415fs.
Identifiers: ClinVar variation 3772704 (VCV003772704.1).

ClinVar aggregate classification (germline): Pathogenic (1 of 4 stars; one submission).

Conditions:
Familial adenomatous polyposis 1 (FAP1). Also called: POLYPOSIS, ADENOMATOUS INTESTINAL; FAMILIAL ADENOMATOUS POLYPOSIS 1, ATTENUATED. Identifiers: MedGen C2713442, MONDO:0021056, OMIM 175100. Disease mechanism: loss of function.

Submission:

Myriad Genetics, Inc.
Classification: Pathogenic for Familial adenomatous polyposis 1. Last evaluated: 2024-10-23. Review status: criteria provided, single submitter. Criteria: Myriad Autosomal Dominant, Autosomal Recessive and X-Linked Classification Criteria (2023). Collection method: clinical testing. Allele origin: unknown.
Comment: This variant is considered pathogenic. This variant creates a frameshift predicted to result in premature protein truncation.